The following is an entry in ClinVar:

NM_001283009.2(RTEL1):c.2852-1G>A

Genes: RTEL1 (regulator of telomere elongation helicase 1; plus strand), RTEL1-TNFRSF6B (RTEL1-TNFRSF6B readthrough (NMD candidate); plus strand). Cytogenetic location: 20q13.33.
Variant type: single nucleotide variant.
Coding change: c.2852-1G>A on transcript NM_001283009.2 (MANE Select); the canonical splice acceptor site of the intron before coding-DNA position 2852, G replaced by A.
Molecular consequence: splice acceptor variant.
Genome position (GRCh38, 1-based): chr20:63,693,142, G>A. VCF-style: chr20-63693142-G-A. GRCh37 (hg19) VCF-style: chr20-62324495-G-A.
Other names: c.2183-1G>A (NM_001283010.1); c.2924-1G>A (NM_032957.5); c.2852-1G>A (NM_016434.4).
Identifiers: ClinVar variation 3749529 (VCV003749529.2).

ClinVar aggregate classification (germline): Likely pathogenic (1 of 4 stars; one submission).

Conditions:
Pulmonary fibrosis and/or bone marrow failure, Telomere-related, 3. Also called: PULMONARY FIBROSIS AND/OR BONE MARROW FAILURE SYNDROME, TELOMERE-RELATED, 3. Identifiers: Orphanet 2032, MedGen C4225346, MONDO:0014613, OMIM 616373.
Dyskeratosis congenita, autosomal recessive 5 (DKCB5). Identifiers: MedGen C3554656, MONDO:0014076, OMIM 615190.

Submission:

Labcorp Genetics (formerly Invitae), Labcorp
Classification: Likely pathogenic for Dyskeratosis congenita, autosomal recessive 5; Pulmonary fibrosis and/or bone marrow failure, Telomere-related, 3. Last evaluated: 2024-10-08. Review status: criteria provided, single submitter. Criteria: Invitae Variant Classification Sherloc (09022015). Collection method: clinical testing. Allele origin: germline.
Comment: This sequence change affects an acceptor splice site in intron 29 of the RTEL1 gene. It is expected to disrupt RNA splicing. Variants that disrupt the donor or acceptor splice site typically lead to a loss of protein function (PMID: 16199547), and loss-of-function variants in RTEL1 are known to be pathogenic (PMID: 23453664, 23959892, 25607374). This variant is not present in population databases (gnomAD no frequency). This variant has not been reported in the literature in individuals affected with RTEL1-related conditions. Algorithms developed to predict the effect of sequence changes on RNA splicing suggest that this variant may disrupt the consensus splice site. In summary, the currently available evidence indicates that the variant is pathogenic, but additional data are needed to prove that conclusively. Therefore, this variant has been classified as Likely Pathogenic.

Literature cited by the submitters: PubMed 16199547; PubMed 23453664; PubMed 23959892; PubMed 25607374.